The following is an entry in ClinVar:

NM_002168.4(IDH2):c.16C>A (p.Arg6=)

Genes: IDH2 (isocitrate dehydrogenase (NADP(+)) 2; minus strand), IDH2-DT (IDH2 divergent transcript; plus strand). Cytogenetic location: 15q26.1.
Variant type: single nucleotide variant.
Coding change: c.16C>A on transcript NM_002168.4 (MANE Select); coding-DNA position 16, C replaced by A.
Protein change: p.Arg6=; no amino-acid change (arginine 6 retained).
Molecular consequence: synonymous variant. On other transcripts: non-coding transcript variant (1), 5 prime UTR variant (1).
Genome position (GRCh38, 1-based): chr15:90,102,375, G>T on the plus strand (C>A on the coding strand, the complement: IDH2 is on the minus strand). VCF-style: chr15-90102375-G-T. GRCh37 (hg19) VCF-style: chr15-90645607-G-T.
Other names: c.-117C>A (NM_001290114.2).
Identifiers: ClinVar variation 1601335 (VCV001601335.13), dbSNP rs549177872, ClinGen allele CA7733301.
Genomic context (GRCh38, chr15:90,102,375, plus strand): 5'-GGGCCGCCGGCGCCCAGGCCGGCCGCGAGCCTGAGGCTCTGCAGAGCGAGCGCACGACCC[G>T]CAGGTAGCCGGCCATCCCAAGCTGGAGAGCGAACGAGCAGGGCGGGAGAGGTCCGAGCGC-3'
Protein context (NP_002159.2, residues 1-16): MAGYL[Arg6=]VVRSLCRASG

ClinVar aggregate classification (germline): Benign/Likely benign. Review status: criteria provided, multiple submitters, no conflicts (2 of 4 stars). 3 submissions from 3 submitters: Benign (2); Likely benign (1). Last evaluated 2026-03-01.

Conditions:
D-2-hydroxyglutaric aciduria 2 (D2HGA2). Identifiers: Orphanet 79315, MedGen C3150909, MONDO:0013345, OMIM 613657.

Allele frequency attached by ClinVar (database versions not stated): gnomAD exomes 0.00007; ExAC 0.00013; 1000 Genomes Project 0.00100; gnomAD 0.00146; 1000 Genomes Project 30x 0.00156.
gnomAD v4.1: 332 of 1,360,676 alleles (0.024%); highest among the groups gnomAD compares: African/African-American, 0.47%; 1 homozygote.

Submissions (3):

CeGaT Center for Human Genetics Tuebingen
Classification: Likely benign. Last evaluated: 2026-03-01. Review status: criteria provided, single submitter. Criteria: CeGaT Center For Human Genetics Tuebingen Variant Classification Criteria Version 2. Collection method: clinical testing. Allele origin: germline. Affected: yes. Observed: 1 variant allele.
Comment: IDH2: BP4, BP7

Labcorp Genetics (formerly Invitae), Labcorp
Classification: Benign for D-2-hydroxyglutaric aciduria 2. Last evaluated: 2025-12-09. Review status: criteria provided, single submitter. Criteria: Invitae Variant Classification Sherloc (09022015). Collection method: clinical testing. Allele origin: germline.

Breakthrough Genomics
Classification: Benign. Review status: criteria provided, single submitter. Criteria: ACMG Guidelines, 2015. Collection method: not provided. Allele origin: germline. Inheritance: Unknown mechanism. Affected: yes.